The following is an entry in ClinVar:

NM_018263.6(ASXL2):c.2124G>T (p.Gln708His)

Gene: ASXL2 (ASXL transcriptional regulator 2; minus strand). Cytogenetic location: 2p23.3.
Variant type: single nucleotide variant.
Coding change: c.2124G>T on transcript NM_018263.6 (MANE Select); coding-DNA position 2124, G replaced by T.
Protein change: p.Gln708His; replaces glutamine 708 with histidine.
Molecular consequence: missense variant.
Genome position (GRCh38, 1-based): chr2:25,744,213, C>A on the plus strand (G>T on the coding strand, the complement: ASXL2 is on the minus strand). VCF-style: chr2-25744213-C-A. GRCh37 (hg19) VCF-style: chr2-25967082-C-A.
Other names: c.1950G>T, p.Gln650His (NM_001369346.1); c.1344G>T, p.Gln448His (NM_001369347.1); short protein forms Q448H, Q650H, Q708H.
Identifiers: ClinVar variation 3365874 (VCV003365874.1).

ClinVar aggregate classification (germline): Uncertain significance (1 of 4 stars; one submission).

Submission:

GeneDx
Classification: Uncertain significance. Last evaluated: 2023-12-19. Review status: criteria provided, single submitter. Criteria: GeneDx Variant Classification Process June 2021. Collection method: clinical testing. Allele origin: germline. Affected: yes.
Comment: Not observed at significant frequency in large population cohorts (gnomAD); In silico analysis supports that this missense variant does not alter protein structure/function; Has not been previously published as pathogenic or benign to our knowledge